The following is an entry in ClinVar:

NM_006345.4(SLC30A9):c.841-1G>A

Gene: SLC30A9 (solute carrier family 30 member 9; plus strand). Cytogenetic location: 4p13.
Variant type: single nucleotide variant.
Coding change: c.841-1G>A on transcript NM_006345.4 (MANE Select); the canonical splice acceptor site of the intron before coding-DNA position 841, G replaced by A.
Molecular consequence: splice acceptor variant.
Genome position (GRCh38, 1-based): chr4:42,060,190, G>A. VCF-style: chr4-42060190-G-A. GRCh37 (hg19) VCF-style: chr4-42062207-G-A.
Identifiers: ClinVar variation 3377089 (VCV003377089.1).

ClinVar aggregate classification (germline): Likely pathogenic (1 of 4 stars; one submission).

Conditions:
Psychomotor regression-oculomotor apraxia-movement disorder-nephropathy syndrome (BILAPES). Also called: Birk-Landau-Perez syndrome. Identifiers: Orphanet 505242, MedGen C4539828, MONDO:0044726, OMIM 617595.

Submission:

Victorian Clinical Genetics Services, Murdoch Childrens Research Institute
Classification: Likely pathogenic for Psychomotor regression-oculomotor apraxia-movement disorder-nephropathy syndrome. Last evaluated: 2024-10-09. Review status: criteria provided, single submitter. Criteria: ACMG Guidelines, 2015. Collection method: clinical testing. Allele origin: germline. Inheritance: Autosomal recessive inheritance. Affected: no.
Comment: Based on the classification scheme VCGS_Germline_v1.3.4, this variant is classified as Likely pathogenic. Following criteria are met: 0102 - Loss of function is a known mechanism of disease in this gene and is associated with Birk-Landau-Perez syndrome (MIM#617595). (I) 0106 - This gene is associated with autosomal recessive disease. (I) 0211 - Canonical splice site variant without proven consequence on splicing (no functional evidence available). (SP) 0251 - This variant is heterozygous. (I) 0304 - Variant is present in gnomAD (v2) <0.01 for a recessive condition (2 heterozygotes, 0 homozygotes). (SP) 0505 - Abnormal splicing is predicted by in silico tools and affected nucleotide is highly conserved. (SP) 0705 - No comparable splice site variants have previous evidence for pathogenicity. (I) 0807 - This variant has no previous evidence of pathogenicity. (I) 0905 - No published segregation evidence has been identified for this variant. (I) 1007 - No published functional evidence has been identified for this variant. (I) Legend: (SP) - Supporting pathogenic, (I) - Information, (SB) - Supporting benign